The following is an entry in ClinVar:

ClinVar aggregate classification (germline): Likely pathogenic (1 of 4 stars; one submission).

gnomAD v4.1: 1 of 1,614,090 alleles (0.000062%); highest among the groups gnomAD compares: Non-Finnish European, 0.000085%; no homozygotes.

Submission:

Labcorp Genetics (formerly Invitae), Labcorp
Classification: Likely pathogenic. Last evaluated: 2024-04-15. Review status: criteria provided, single submitter. Criteria: Invitae Variant Classification Sherloc (09022015). Collection method: clinical testing. Allele origin: germline.
Comment: This sequence change replaces asparagine, which is neutral and polar, with lysine, which is basic and polar, at codon 373 of the FH protein (p.Asn373Lys). This variant is not present in population databases (gnomAD no frequency). This missense change has been observed in individual(s) with cutaneous leiomyoma and/or papillary renal cell carcinoma (PMID: 33442023; Invitae). ClinVar contains an entry for this variant (Variation ID: 952917). Advanced modeling of protein sequence and biophysical properties (such as structural, functional, and spatial information, amino acid conservation, physicochemical variation, residue mobility, and thermodynamic stability) performed at Invitae indicates that this missense variant is expected to disrupt FH protein function with a positive predictive value of 95%. In summary, the currently available evidence indicates that the variant is pathogenic, but additional data are needed to prove that conclusively. Therefore, this variant has been classified as Likely Pathogenic.

Literature cited by the submitters: PubMed 33442023.

NM_000143.4(FH):c.1119C>A (p.Asn373Lys)

Gene: FH (fumarate hydratase; minus strand). Cytogenetic location: 1q43.
Variant type: single nucleotide variant.
Coding change: c.1119C>A on transcript NM_000143.4 (MANE Select); coding-DNA position 1119, C replaced by A.
Protein change: p.Asn373Lys; replaces asparagine 373 with lysine.
Molecular consequence: missense variant.
Genome position (GRCh38, 1-based): chr1:241,502,560, G>T on the plus strand (C>A on the coding strand, the complement: FH is on the minus strand). VCF-style: chr1-241502560-G-T. GRCh37 (hg19) VCF-style: chr1-241665860-G-T.
Other names: short protein forms N373K.
Identifiers: ClinVar variation 952917 (VCV000952917.9), dbSNP rs542014575, ClinGen allele CA345437656.